The following is an entry in ClinVar:

ClinVar aggregate classification (germline): Uncertain significance (1 of 4 stars; one submission).

Submission:

Labcorp Genetics (formerly Invitae), Labcorp
Classification: Uncertain significance. Last evaluated: 2025-03-22. Review status: criteria provided, single submitter. Criteria: Invitae Variant Classification Sherloc (09022015). Collection method: clinical testing. Allele origin: germline.
Comment: This sequence change replaces arginine, which is basic and polar, with glutamine, which is neutral and polar, at codon 648 of the NFATC1 protein (p.Arg648Gln). This variant is present in population databases (rs372608876, gnomAD 0.02%). This variant has not been reported in the literature in individuals affected with NFATC1-related conditions. An algorithm developed to predict the effect of missense changes on protein structure and function (PolyPhen-2) suggests that this variant is likely to be tolerated. In summary, the available evidence is currently insufficient to determine the role of this variant in disease. Therefore, it has been classified as a Variant of Uncertain Significance.

NM_001278669.2(NFATC1):c.1943G>A (p.Arg648Gln)

Gene: NFATC1 (nuclear factor of activated T cells 1; plus strand). Cytogenetic location: 18q23.
Variant type: single nucleotide variant.
Coding change: c.1943G>A on transcript NM_001278669.2 (MANE Select); coding-DNA position 1943, G replaced by A.
Protein change: p.Arg648Gln; replaces arginine 648 with glutamine.
Molecular consequence: missense variant.
Genome position (GRCh38, 1-based): chr18:79,461,350, G>A. VCF-style: chr18-79461350-G-A. GRCh37 (hg19) VCF-style: chr18-77221350-G-A.
Other names: c.1943G>A, p.Arg648Gln (NM_001278670.2, NM_006162.5, NM_172390.3); c.1904G>A, p.Arg635Gln (NM_001278672.2, NM_001278675.2, NM_172387.3 and 1 more transcripts); c.527G>A, p.Arg176Gln (NM_001278673.2, NM_172388.3); short protein forms R648Q, R176Q, R635Q.
Identifiers: ClinVar variation 4693015 (VCV004693015.1).